The following is an entry in ClinVar:

ClinVar aggregate classification (germline): Uncertain significance. Review status: criteria provided, multiple submitters, no conflicts (2 of 4 stars). 2 submissions from 2 submitters: Uncertain significance (2). Last evaluated 2025-09-17.

Conditions:
Inborn genetic diseases. Identifiers: MedGen C0950123, MeSH D030342.

Allele frequency attached by ClinVar (database versions not stated): gnomAD 0.00001; gnomAD exomes below 0.00001; TOPMed 0.00002.
gnomAD v4.1: 7 of 1,614,058 alleles (0.00043%); highest among the groups gnomAD compares: African/African-American, 0.004%; no homozygotes.

Submissions (2):

Labcorp Genetics (formerly Invitae), Labcorp
Classification: Uncertain significance. Last evaluated: 2025-09-17. Review status: criteria provided, single submitter. Criteria: Invitae Variant Classification Sherloc (09022015). Collection method: clinical testing. Allele origin: germline.
Comment: This sequence change replaces valine, which is neutral and non-polar, with alanine, which is neutral and non-polar, at codon 895 of the MTHFD1 protein (p.Val895Ala). This variant is present in population databases (no rsID available, gnomAD 0.01%). This variant has not been reported in the literature in individuals affected with MTHFD1-related conditions. ClinVar contains an entry for this variant (Variation ID: 1463780). Invitae Evidence Modeling of protein sequence and biophysical properties (such as structural, functional, and spatial information, amino acid conservation, physicochemical variation, residue mobility, and thermodynamic stability) indicates that this missense variant is not expected to disrupt MTHFD1 protein function with a negative predictive value of 80%. In summary, the available evidence is currently insufficient to determine the role of this variant in disease. Therefore, it has been classified as a Variant of Uncertain Significance.

Ambry Genetics
Classification: Uncertain significance for Inborn genetic diseases. Last evaluated: 2024-07-22. Review status: criteria provided, single submitter. Criteria: Ambry Variant Classification Scheme 2023. Collection method: clinical testing. Allele origin: germline.

NM_005956.4(MTHFD1):c.2684T>C (p.Val895Ala)

Genes: MTHFD1 (methylenetetrahydrofolate dehydrogenase, cyclohydrolase and formyltetrahydrofolate synthetase 1; plus strand), ZBTB25 (zinc finger and BTB domain containing 25; minus strand). Cytogenetic location: 14q23.3.
Variant type: single nucleotide variant.
Coding change: c.2684T>C on transcript NM_005956.4 (MANE Select); coding-DNA position 2684, T replaced by C.
Protein change: p.Val895Ala; replaces valine 895 with alanine.
Molecular consequence: missense variant. On other transcripts: intron variant (1).
Genome position (GRCh38, 1-based): chr14:64,454,841, T>C. VCF-style: chr14-64454841-T-C. GRCh37 (hg19) VCF-style: chr14-64921559-T-C.
Other names: c.2684T>C, p.Val895Ala (NM_001364837.1); c.174-5203A>G (NM_001304508.1); short protein forms V895A.
Identifiers: ClinVar variation 1463780 (VCV001463780.7), dbSNP rs991768162, ClinGen allele CA261856508.